The following is an entry in ClinVar:

ClinVar aggregate classification (germline): Benign (1 of 4 stars; one submission).

Conditions:
Polydactyly of a triphalangeal thumb. Also called: POLYDACTYLY OF TRIPHALANGEAL THUMB; TRIPHALANGEAL THUMB-POLYDACTYLY SYNDROME; Polydactyly, preaxial type II. Identifiers: Orphanet 2439, Orphanet 2950, Orphanet 93336, MedGen C1868114, MONDO:0008270, OMIM 174500.

Allele frequency attached by ClinVar (database versions not stated): TOPMed 0.00057; gnomAD 0.00061 and 0.00066; 1000 Genomes Project 0.00120; 1000 Genomes Project 30x 0.00125.

Submission:

Illumina Laboratory Services, Illumina
Classification: Benign for Polydactyly of a triphalangeal thumb. Last evaluated: 2018-01-13. Review status: criteria provided, single submitter. Criteria: ICSL Variant Classification Criteria 13 December 2019. Collection method: clinical testing. Allele origin: germline.
Comment: This variant was observed in the ICSL laboratory as part of a predisposition screen in an ostensibly healthy population. It had not been previously curated by ICSL or reported in the Human Gene Mutation Database (HGMD: prior to June 1st, 2018), and was therefore a candidate for classification through an automated scoring system. Utilizing variant allele frequency, disease prevalence and penetrance estimates, and inheritance mode, an automated score was calculated to assess if this variant is too frequent to cause the disease. Based on the score and internal cut-off values, a variant classified as benign is not then subjected to further curation. The score for this variant resulted in a classification of benign for this disease.

NM_022458.4(LMBR1):c.*1469C>T

Gene: LMBR1 (limb development membrane protein 1; minus strand). Cytogenetic location: 7q36.3.
Variant type: single nucleotide variant.
Coding change: c.*1469C>T on transcript NM_022458.4 (MANE Select); 1469 bases downstream of the stop codon, C replaced by T.
Molecular consequence: 3 prime UTR variant. On other transcripts: non-coding transcript variant (2).
Genome position (GRCh38, 1-based): chr7:156,682,609, G>A on the plus strand (C>T on the coding strand, the complement: LMBR1 is on the minus strand). VCF-style: chr7-156682609-G-A. GRCh37 (hg19) VCF-style: chr7-156475303-G-A.
Other names: c.*1469C>T (NM_001350953.2, NM_001350954.2, NM_001350955.2 and 8 more transcripts).
Identifiers: ClinVar variation 359399 (VCV000359399.5), dbSNP rs184156281, ClinGen allele CA10628622.